The following is an entry in ClinVar:

NM_001009944.3(PKD1):c.2756G>A (p.Arg919Gln)

Gene: PKD1 (polycystin 1, transient receptor potential channel interacting; minus strand). Cytogenetic location: 16p13.3.
Variant type: single nucleotide variant.
Coding change: c.2756G>A on transcript NM_001009944.3 (MANE Select); coding-DNA position 2756, G replaced by A.
Protein change: p.Arg919Gln; replaces arginine 919 with glutamine.
Molecular consequence: missense variant.
Genome position (GRCh38, 1-based): chr16:2,114,267, C>T on the plus strand (G>A on the coding strand, the complement: PKD1 is on the minus strand). VCF-style: chr16-2114267-C-T. GRCh37 (hg19) VCF-style: chr16-2164268-C-T.
Other names: c.2756G>A, p.Arg919Gln (NM_000296.4); short protein forms R919Q.
Identifiers: ClinVar variation 3357590 (VCV003357590.1).

ClinVar aggregate classification (germline): Uncertain significance (0 of 4 stars; one submission).

Conditions:
PKD1-related disorder. Also called: PKD1-related condition.

gnomAD v4.1: 49 of 1,610,260 alleles (0.003%); highest among the groups gnomAD compares: African/African-American, 0.004%; no homozygotes.

Submission:

PreventionGenetics, part of Exact Sciences
Classification: Uncertain significance for PKD1-related condition. Last evaluated: 2024-08-26. Review status: no assertion criteria provided. Collection method: clinical testing. Allele origin: germline.
Comment: The PKD1 c.2756G>A variant is predicted to result in the amino acid substitution p.Arg919Gln. To our knowledge, this variant has not been reported in the literature. This variant is reported in 0.0064% of alleles in individuals of European (Non-Finnish) descent in gnomAD. At this time, the clinical significance of this variant is uncertain due to the absence of conclusive functional and genetic evidence.